The following is an entry in ClinVar:

ClinVar aggregate classification (germline): Uncertain significance (1 of 4 stars; one submission).

Conditions:
Episodic ataxia type 2 (EA2). Also called: ATAXIA, EPISODIC, WITH NYSTAGMUS; ATAXIA, FAMILIAL PAROXYSMAL; CEREBELLAR ATAXIA, PAROXYSMAL, ACETAZOLAMIDE-RESPONSIVE; CEREBELLOPATHY, HEREDITARY PAROXYSMAL; ACETAZOLAMIDE-RESPONSIVE HEREDITARY PAROXYSMAL CEREBELLAR ATAXIA; EPISODIC ATAXIA, NYSTAGMUS-ASSOCIATED. Identifiers: Orphanet 97, MedGen C1720416, MONDO:0007163, OMIM 108500.
Developmental and epileptic encephalopathy, 42 (DEE42A). Also called: DEVELOPMENTAL AND EPILEPTIC ENCEPHALOPATHY 42A; EPILEPTIC ENCEPHALOPATHY, EARLY INFANTILE, 42A; Epileptic encephalopathy, early infantile, 42. Identifiers: MedGen C4310716, MONDO:0014917, OMIM 617106.

Allele frequency attached by ClinVar (database versions not stated): TOPMed below 0.00001.
gnomAD v4.1: 2 of 1,601,234 alleles (0.00012%); highest among the groups gnomAD compares: Non-Finnish European, 0.00017%; no homozygotes.

Submission:

Labcorp Genetics (formerly Invitae), Labcorp
Classification: Uncertain significance for Developmental and epileptic encephalopathy, 42; Episodic ataxia type 2. Last evaluated: 2021-11-02. Review status: criteria provided, single submitter. Criteria: Invitae Variant Classification Sherloc (09022015). Collection method: clinical testing. Allele origin: germline.
Comment: In summary, the available evidence is currently insufficient to determine the role of this variant in disease. Therefore, it has been classified as a Variant of Uncertain Significance. Advanced modeling of protein sequence and biophysical properties (such as structural, functional, and spatial information, amino acid conservation, physicochemical variation, residue mobility, and thermodynamic stability) performed at Invitae indicates that this missense variant is not expected to disrupt CACNA1A protein function. This variant has not been reported in the literature in individuals affected with CACNA1A-related conditions. The frequency data for this variant in the population databases is considered unreliable, as metrics indicate poor data quality at this position in the gnomAD database. This sequence change replaces arginine, which is basic and polar, with serine, which is neutral and polar, at codon 864 of the CACNA1A protein (p.Arg864Ser).

NM_001127222.2(CACNA1A):c.2587C>A (p.Arg863Ser)

Gene: CACNA1A (calcium voltage-gated channel subunit alpha1 A; minus strand). Cytogenetic location: 19p13.13.
Variant type: single nucleotide variant.
Coding change: c.2587C>A on transcript NM_001127222.2 (MANE Select); coding-DNA position 2587, C replaced by A.
Protein change: p.Arg863Ser; replaces arginine 863 with serine.
Molecular consequence: missense variant.
Genome position (GRCh38, 1-based): chr19:13,299,046, G>T on the plus strand (C>A on the coding strand, the complement: CACNA1A is on the minus strand). VCF-style: chr19-13299046-G-T. GRCh37 (hg19) VCF-style: chr19-13409860-G-T.
Other names: c.2599C>A, p.Arg867Ser (NM_000068.4, NM_023035.3); c.2590C>A, p.Arg864Ser (NM_001127221.2, NM_001174080.2); short protein forms R863S, R867S, R864S.
Identifiers: ClinVar variation 1498142 (VCV001498142.6), dbSNP rs777076641, ClinGen allele CA9240526.